The following is an entry in ClinVar:

ClinVar aggregate classification (germline): Likely benign (1 of 4 stars; one submission).

Allele frequency attached by ClinVar (database versions not stated): gnomAD exomes below 0.00001.
gnomAD v4.1: 1 of 1,614,178 alleles (0.000062%); no homozygotes.

Submission:

CeGaT Center for Human Genetics Tuebingen
Classification: Likely benign. Last evaluated: 2022-04-01. Review status: criteria provided, single submitter. Criteria: CeGaT Center For Human Genetics Tuebingen Variant Classification Criteria Version 2. Collection method: clinical testing. Allele origin: germline. Affected: yes. Observed: 1 variant allele.
Comment: CCND2: BP4, BP7

NM_001759.4(CCND2):c.522G>A (p.Leu174=)

Gene: CCND2 (cyclin D2; plus strand). Cytogenetic location: 12p13.32.
Variant type: single nucleotide variant.
Coding change: c.522G>A on transcript NM_001759.4 (MANE Select); coding-DNA position 522, G replaced by A.
Protein change: p.Leu174=; no amino-acid change (leucine 174 retained).
Molecular consequence: synonymous variant.
Genome position (GRCh38, 1-based): chr12:4,278,870, G>A. VCF-style: chr12-4278870-G-A. GRCh37 (hg19) VCF-style: chr12-4388036-G-A.
Identifiers: ClinVar variation 2642579 (VCV002642579.24), dbSNP rs1214131321, ClinGen allele CA478054679.